The following is an entry in ClinVar:

ClinVar aggregate classification (germline): Benign (1 of 4 stars; one submission).

gnomAD v4.1: 1,035 of 1,565,716 alleles (0.066%); highest among the groups gnomAD compares: African/African-American, 1.2%; 12 homozygotes.

Submission:

CeGaT Center for Human Genetics Tuebingen
Classification: Benign. Last evaluated: 2025-12-01. Review status: criteria provided, single submitter. Criteria: CeGaT Center For Human Genetics Tuebingen Variant Classification Criteria Version 2. Collection method: clinical testing. Allele origin: germline. Affected: yes. Observed: 1 variant allele.
Comment: BICRA: BP4, BP7, BS1, BS2

NM_001394372.1(BICRA):c.4584G>A (p.Ser1528=)

Gene: BICRA (BRD4 interacting chromatin remodeling complex associated protein; plus strand). Cytogenetic location: 19q13.33.
Variant type: single nucleotide variant.
Coding change: c.4584G>A on transcript NM_001394372.1 (MANE Select); coding-DNA position 4584, G replaced by A.
Protein change: p.Ser1528=; no amino-acid change (serine 1528 retained).
Molecular consequence: synonymous variant.
Genome position (GRCh38, 1-based): chr19:47,702,316, G>A. VCF-style: chr19-47702316-G-A. GRCh37 (hg19) VCF-style: chr19-48205573-G-A.
Other names: c.4584G>A, p.Ser1528= (NM_015711.3).
Identifiers: ClinVar variation 4681420 (VCV004681420.5).